The following is an entry in ClinVar:

ClinVar aggregate classification (germline): Pathogenic/Likely pathogenic. Review status: criteria provided, multiple submitters, no conflicts (2 of 4 stars). 8 submissions from 7 submitters: Pathogenic (1); Likely pathogenic (6). 1 of the submissions does not count toward it. Last evaluated 2025-10-07.

Conditions:
Charcot-Marie-Tooth disease, axonal, type 2EE. Also called: CHARCOT-MARIE-TOOTH NEUROPATHY, TYPE 2EE. Identifiers: MedGen C5193076, MONDO:0032728, OMIM 618400.
Mitochondrial DNA depletion syndrome 6 (hepatocerebral type). Also called: NAVAJO NEUROPATHY; Mitochondrial DNA depletion syndrome type 6; Navajo neurohepatopathy. Identifiers: Orphanet 255229, MedGen C1850406, MONDO:0009747, OMIM 256810.

Allele frequency attached by ClinVar (database versions not stated): gnomAD exomes 0.00001 and below 0.00001; ExAC 0.00002.

Submissions (8):

3billion
Classification: Pathogenic for Mitochondrial DNA depletion syndrome 6 (hepatocerebral type). Last evaluated: 2025-10-07. Review status: criteria provided, single submitter. Criteria: ACMG Guidelines, 2015. Collection method: clinical testing. Allele origin: germline. Affected: yes.
Comment: The variant is observed at an extremely low frequency in the gnomAD v4.1.0 dataset (total allele frequency: <0.001%). Predicted Consequence/Location: Canonical splice site: predicted to alter splicing and result in a loss or disruption of normal protein function. Multiple pathogenic loss-of-function variants are reported downstream of the variant. In silico tools predict the variant to alter splicing and produce an abnormal transcript [SpliceAI: 0.96 (spliceogenicity >=0.2, non-spliceogenicity <0.1)]. The variant has been reported at least twice as pathogenic with clinical assertions and evidence for the classification (ClinVar ID: VCV000424255). Therefore, this variant is classified as Pathogenic according to the recommendation of ACMG/AMP guideline.

Fulgent Genetics
Classification: Likely pathogenic for Mitochondrial DNA depletion syndrome 6 (hepatocerebral type); Charcot-Marie-Tooth disease, axonal, type 2EE. Last evaluated: 2024-04-25. Review status: criteria provided, single submitter. Criteria: ACMG Guidelines, 2015. Collection method: clinical testing. Allele origin: germline.

Baylor Genetics
Classification: Likely pathogenic for Charcot-Marie-Tooth disease, axonal, type 2EE. Last evaluated: 2024-02-16. Review status: criteria provided, single submitter. Criteria: ACMG Guidelines, 2015. Collection method: clinical testing. Allele origin: unknown.

Labcorp Genetics (formerly Invitae), Labcorp
Classification: Likely pathogenic. Last evaluated: 2024-01-29. Review status: criteria provided, single submitter. Criteria: Invitae Variant Classification Sherloc (09022015). Collection method: clinical testing. Allele origin: germline.
Comment: This sequence change affects a donor splice site in intron 6 of the MPV17 gene. It is expected to disrupt RNA splicing. Variants that disrupt the donor or acceptor splice site typically lead to a loss of protein function (PMID: 16199547), and loss-of-function variants in MPV17 are known to be pathogenic (PMID: 23714749). This variant is present in population databases (rs749361266, gnomAD 0.002%). This variant has not been reported in the literature in individuals affected with MPV17-related conditions. ClinVar contains an entry for this variant (Variation ID: 424255). Algorithms developed to predict the effect of sequence changes on RNA splicing suggest that this variant may disrupt the consensus splice site. In summary, the currently available evidence indicates that the variant is pathogenic, but additional data are needed to prove that conclusively. Therefore, this variant has been classified as Likely Pathogenic.

Revvity Omics, Revvity
Classification: Likely pathogenic. Last evaluated: 2023-12-21. Review status: criteria provided, single submitter. Criteria: ACMG Guidelines, 2015. Collection method: clinical testing. Allele origin: germline.

Fulgent Genetics
Classification: Likely pathogenic for Mitochondrial DNA depletion syndrome 6 (hepatocerebral type). Last evaluated: 2018-10-31. Review status: criteria provided, single submitter. Criteria: ACMG Guidelines, 2015. Collection method: clinical testing. Allele origin: unknown.

GeneDx
Classification: Likely pathogenic. Last evaluated: 2018-09-20. Review status: criteria provided, single submitter. Criteria: GeneDx Variant Classification (06012015). Collection method: clinical testing. Allele origin: germline. Affected: yes.
Comment: The c.408+1G>A variant in the MPV17 gene has not been reported previously as a pathogenic variant nor as a benign variant, to our knowledge. This splice site variant destroys the canonical splice donor site in intron 6. It is predicted to cause abnormal gene splicing, either leading to an abnormal message that is subject to nonsense-mediated mRNA decay, or to an abnormal protein product if the message is used for protein translation. The c.408+1G>A variant is not observed at a significant frequency in large population cohorts (Lek et al., 2016; 1000 Genomes Consortium et al., 2015; Exome Variant Server). We interpret c.408+1G>A as a likely pathogenic variant.

Natera, Inc.
Classification: Likely pathogenic for Navajo neurohepatopathy. Last evaluated: 2020-09-16. Review status: no assertion criteria provided. Collection method: clinical testing. Allele origin: germline. Not counted in ClinVar's aggregate classification.

Literature cited by the submitters: PubMed 16199547 (cited by Labcorp Genetics (formerly Invitae), Labcorp); PubMed 23714749 (cited by Labcorp Genetics (formerly Invitae), Labcorp).

NM_002437.5(MPV17):c.408+1G>A

Gene: MPV17 (mitochondrial inner membrane protein MPV17; minus strand). Cytogenetic location: 2p23.3.
Variant type: single nucleotide variant.
Coding change: c.408+1G>A on transcript NM_002437.5 (MANE Select); the canonical splice donor site of the intron after coding-DNA position 408, G replaced by A.
Molecular consequence: splice donor variant.
Genome position (GRCh38, 1-based): chr2:27,312,213, C>T on the plus strand (G>A on the coding strand, the complement: MPV17 is on the minus strand). VCF-style: chr2-27312213-C-T. GRCh37 (hg19) VCF-style: chr2-27535081-C-T.
Identifiers: ClinVar variation 424255 (VCV000424255.15), dbSNP rs749361266, ClinGen allele CA1575532.